The following is an entry in ClinVar:

NM_005609.4(PYGM):c.897_898insTTATACACATCTGTGATCG (p.Val300fs)

Gene: PYGM (glycogen phosphorylase, muscle associated; minus strand). Cytogenetic location: 11q13.1.
Variant type: Insertion.
Coding change: c.897_898insTTATACACATCTGTGATCG on transcript NM_005609.4 (MANE Select); coding-DNA positions 897 to 898, TTATACACATCTGTGATCG inserted.
Protein change: p.Val300fs; shifts the reading frame from valine 300.
Molecular consequence: frameshift variant.
Genome position: GRCh38 VCF-style: chr11-64754794-C-CCGATCACAGATGTGTATAA. GRCh37 (hg19) VCF-style: chr11-64522266-C-CCGATCACAGATGTGTATAA.
Other names: c.633_634insTTATACACATCTGTGATCG, p.Val212fs (NM_001164716.1); short protein forms V212fs, V300fs.
Identifiers: ClinVar variation 5010529 (VCV005010529.1).

ClinVar aggregate classification (germline): Pathogenic (1 of 4 stars; one submission).

Conditions:
Glycogen storage disease, type V (GSD5). Also called: MCARDLE DISEASE; MUSCLE GLYCOGEN PHOSPHORYLASE DEFICIENCY; MYOPHOSPHORYLASE DEFICIENCY; PYGM DEFICIENCY; McArdle type glycogen storage disease. Identifiers: Orphanet 368, MedGen C0017924, MONDO:0009293, OMIM 232600.

Submission:

Myriad Genetics, Inc.
Classification: Pathogenic for Glycogen storage disease, type V. Last evaluated: 2024-05-14. Review status: criteria provided, single submitter. Criteria: Myriad Autosomal Dominant, Autosomal Recessive and X-Linked Classification Criteria (2023). Collection method: clinical testing. Allele origin: unknown.
Comment: NM_005609.2(PYGM):c.897_898ins19(V300Lfs*28) is expected to be pathogenic in the context of glycogen storage disease, PYGM-related. This variant is predicted to lead to an abnormal or absent protein product due to the creation of a premature termination codon in PYGM, a gene where loss-of-function variants are known to be pathogenic. Please note: this variant was assessed in the context of healthy population screening.